The following is an entry in ClinVar:

NM_000350.3(ABCA4):c.4727T>G (p.Leu1576Arg)

Genes: ABCA4 (ATP binding cassette subfamily A member 4; minus strand), LOC126805793 (CDK7 strongly-dependent group 2 enhancer GRCh37_chr1:94486302-94487501; plus strand). Cytogenetic location: 1p22.1.
Variant type: single nucleotide variant.
Coding change: c.4727T>G on transcript NM_000350.3 (MANE Select); coding-DNA position 4727, T replaced by G.
Protein change: p.Leu1576Arg; replaces leucine 1576 with arginine.
Molecular consequence: missense variant.
Genome position (GRCh38, 1-based): chr1:94,021,892, A>C on the plus strand (T>G on the coding strand, the complement: ABCA4 is on the minus strand). VCF-style: chr1-94021892-A-C. GRCh37 (hg19) VCF-style: chr1-94487448-A-C.
Other names: c.4505T>G, p.Leu1502Arg (NM_001425324.1); short protein forms L1576R, L1502R.
Identifiers: ClinVar variation 438097 (VCV000438097.7), dbSNP rs1553188682, ClinGen allele CA341283909.
Genomic context (GRCh38, chr1:94,021,892, plus strand): 5'-GTCTGTTTACATACCCCGCTCACATTCATGATCCGGCCAAGGTCGCTTAAAAACCCAACA[A>C]GTGCTTCCCCCGTGATGGGGACGACTGGGAGCTTTCCTCCAATGGAAATTCCTCCATACC-3'
Protein context (NP_000341.2, residues 1566-1586): LPVVPITGEA[Leu1576Arg]VGFLSDLGRI

ClinVar aggregate classification (germline): Likely pathogenic. Review status: criteria provided, single submitter (1 of 4 stars). 2 submissions from 2 submitters: Likely pathogenic (1). 1 of the submissions does not count toward it. Last evaluated 2023-08-10.

Conditions:
Severe early-childhood-onset retinal dystrophy (STGD1). Also called: MACULAR DYSTROPHY WITH FLECKS, TYPE 1; STGD; Stargardt macular dystrophy; Juvenile onset macular degeneration; Stargardt disease 1. Identifiers: Orphanet 364055, Orphanet 827, MedGen C1855465, MeSH D000080362, MONDO:0009549, OMIM 248200.

gnomAD v4.1: 2 of 1,614,174 alleles (0.00012%); highest among the groups gnomAD compares: Non-Finnish European, 0.00017%; no homozygotes.

Submissions (2):

Labcorp Genetics (formerly Invitae), Labcorp
Classification: Likely pathogenic. Last evaluated: 2023-08-10. Review status: criteria provided, single submitter. Criteria: Invitae Variant Classification Sherloc (09022015). Collection method: clinical testing. Allele origin: germline.
Comment: In summary, the currently available evidence indicates that the variant is pathogenic, but additional data are needed to prove that conclusively. Therefore, this variant has been classified as Likely Pathogenic. Advanced modeling of protein sequence and biophysical properties (such as structural, functional, and spatial information, amino acid conservation, physicochemical variation, residue mobility, and thermodynamic stability) performed at Invitae indicates that this missense variant is expected to disrupt ABCA4 protein function. ClinVar contains an entry for this variant (Variation ID: 438097). This missense change has been observed in individual(s) with Stargardt Disease (PMID: 28041643). This variant is not present in population databases (gnomAD no frequency). This sequence change replaces leucine, which is neutral and non-polar, with arginine, which is basic and polar, at codon 1576 of the ABCA4 protein (p.Leu1576Arg).

NIHR Bioresource Rare Diseases, University of Cambridge
Classification: Likely pathogenic. Last evaluated: 2015-01-01. Review status: no assertion criteria provided. Collection method: research. Allele origin: unknown. Affected: yes. Observed: 1 variant allele. Not counted in ClinVar's aggregate classification.

Literature cited by the submitters: PubMed 28041643 (cited by Labcorp Genetics (formerly Invitae), Labcorp and NIHR Bioresource Rare Diseases, University of Cambridge).